The following is an entry in ClinVar:

NM_000235.4(LIPA):c.898G>A (p.Val300Ile)

Gene: LIPA (lipase A, lysosomal acid type; minus strand). Cytogenetic location: 10q23.31.
Variant type: single nucleotide variant.
Coding change: c.898G>A on transcript NM_000235.4 (MANE Select); coding-DNA position 898, G replaced by A.
Protein change: p.Val300Ile; replaces valine 300 with isoleucine.
Molecular consequence: missense variant.
Genome position (GRCh38, 1-based): chr10:89,216,006, C>T on the plus strand (G>A on the coding strand, the complement: LIPA is on the minus strand). VCF-style: chr10-89216006-C-T. GRCh37 (hg19) VCF-style: chr10-90975763-C-T.
Other names: c.898G>A, p.Val300Ile (NM_001127605.3); c.550G>A, p.Val184Ile (NM_001288979.2); short protein forms V184I, V300I.
Identifiers: ClinVar variation 1765354 (VCV001765354.3), dbSNP rs1473591284, ClinGen allele CA377516617.

ClinVar aggregate classification (germline): Uncertain significance (1 of 4 stars; one submission).

Conditions:
Cardiovascular phenotype. Identifiers: MedGen CN230736.

gnomAD v4.1: 1 of 1,603,778 alleles (0.000062%); highest among the groups gnomAD compares: Non-Finnish European, 0.000085%; no homozygotes.

Submission:

Ambry Genetics
Classification: Uncertain significance for Cardiovascular phenotype. Last evaluated: 2025-09-17. Review status: criteria provided, single submitter. Criteria: Ambry Variant Classification Scheme 2023. Collection method: clinical testing. Allele origin: germline.
Comment: The p.V300I variant (also known as c.898G>A), located in coding exon 8 of the LIPA gene, results from a G to A substitution at nucleotide position 898. The valine at codon 300 is replaced by isoleucine, an amino acid with highly similar properties. This amino acid position is conserved. In addition, this alteration is predicted to be tolerated by in silico analysis. Since supporting evidence is limited at this time, the clinical significance of this alteration remains unclear.